The following is an entry in ClinVar:

NM_198253.3(TERT):c.2158A>G (p.Ile720Val)

Gene: TERT (telomerase reverse transcriptase; minus strand). Cytogenetic location: 5p15.33.
Variant type: single nucleotide variant.
Coding change: c.2158A>G on transcript NM_198253.3 (MANE Select); coding-DNA position 2158, A replaced by G.
Protein change: p.Ile720Val; replaces isoleucine 720 with valine.
Molecular consequence: missense variant. On other transcripts: non-coding transcript variant (1).
Genome position (GRCh38, 1-based): chr5:1,278,769, T>C on the plus strand (A>G on the coding strand, the complement: TERT is on the minus strand). VCF-style: chr5-1278769-T-C. GRCh37 (hg19) VCF-style: chr5-1278884-T-C.
Other names: c.2158A>G, p.Ile720Val (NM_001193376.3, NM_003219.1); short protein forms I720V.
Identifiers: ClinVar variation 1786840 (VCV001786840.5), dbSNP rs373072850, ClinGen allele CA3184635.

ClinVar aggregate classification (germline): Uncertain significance. Review status: criteria provided, multiple submitters, no conflicts (2 of 4 stars). 4 submissions from 4 submitters: Uncertain significance (4). Last evaluated 2025-04-14.

Conditions:
Dyskeratosis congenita, autosomal dominant 2. Identifiers: MedGen C3151443, MONDO:0013521, OMIM 613989.
Idiopathic Pulmonary Fibrosis. Also called: Idiopathic fibrosing alveolitis, chronic form; idiopathic fibrosing alveolitis. Identifiers: Orphanet 2032, MedGen C1800706, MeSH D054990, MONDO:0800504.
Dyskeratosis congenita. Identifiers: Orphanet 1775, MedGen C0265965, MONDO:0015780.

Allele frequency attached by ClinVar (database versions not stated): gnomAD exomes below 0.00001; ExAC 0.00001; ESP Exome Variant Server 0.00008.
gnomAD v4.1: 3 of 1,614,094 alleles (0.00019%); highest among the groups gnomAD compares: Non-Finnish European, 0.000085%; no homozygotes.

Submissions (4):

Labcorp Genetics (formerly Invitae), Labcorp
Classification: Uncertain significance for Dyskeratosis congenita, autosomal dominant 2; Idiopathic Pulmonary Fibrosis. Last evaluated: 2025-04-14. Review status: criteria provided, single submitter. Criteria: Invitae Variant Classification Sherloc (09022015). Collection method: clinical testing. Allele origin: germline.
Comment: This sequence change replaces isoleucine, which is neutral and non-polar, with valine, which is neutral and non-polar, at codon 720 of the TERT protein (p.Ile720Val). This variant is present in population databases (rs373072850, gnomAD no frequency). This variant has not been reported in the literature in individuals affected with TERT-related conditions. ClinVar contains an entry for this variant (Variation ID: 1786840). Invitae Evidence Modeling of protein sequence and biophysical properties (such as structural, functional, and spatial information, amino acid conservation, physicochemical variation, residue mobility, and thermodynamic stability) indicates that this missense variant is not expected to disrupt TERT protein function with a negative predictive value of 95%. In summary, the available evidence is currently insufficient to determine the role of this variant in disease. Therefore, it has been classified as a Variant of Uncertain Significance.

Blueprint Genetics
Classification: Uncertain significance. Last evaluated: 2024-06-20. Review status: criteria provided, single submitter. Criteria: ACMG Guidelines, 2015. Collection method: clinical testing. Allele origin: germline.

Baylor Genetics
Classification: Uncertain significance for Dyskeratosis congenita, autosomal dominant 2. Last evaluated: 2023-10-01. Review status: criteria provided, single submitter. Criteria: ACMG Guidelines, 2015. Collection method: clinical testing. Allele origin: unknown.

Ambry Genetics
Classification: Uncertain significance for Dyskeratosis congenita. Last evaluated: 2022-04-07. Review status: criteria provided, single submitter. Criteria: Ambry Variant Classification Scheme 2023. Collection method: clinical testing. Allele origin: germline.
Comment: The p.I720V variant (also known as c.2158A>G), located in coding exon 6 of the TERT gene, results from an A to G substitution at nucleotide position 2158. The isoleucine at codon 720 is replaced by valine, an amino acid with highly similar properties. This amino acid position is conserved. In addition, the in silico prediction for this alteration is inconclusive. Since supporting evidence is limited at this time, the clinical significance of this alteration remains unclear.